The following is an entry in ClinVar:

NM_032634.4(PIGO):c.2961G>A (p.Glu987=)

Gene: PIGO (phosphatidylinositol glycan anchor biosynthesis class O; minus strand). Cytogenetic location: 9p13.3.
Variant type: single nucleotide variant.
Coding change: c.2961G>A on transcript NM_032634.4 (MANE Select); coding-DNA position 2961, G replaced by A.
Protein change: p.Glu987=; no amino-acid change (glutamic acid 987 retained).
Molecular consequence: synonymous variant.
Genome position (GRCh38, 1-based): chr9:35,090,174, C>T on the plus strand (G>A on the coding strand, the complement: PIGO is on the minus strand). VCF-style: chr9-35090174-C-T. GRCh37 (hg19) VCF-style: chr9-35090171-C-T.
Other names: c.1710G>A, p.Glu570= (NM_001201484.2, NM_152850.4).
Identifiers: ClinVar variation 1315303 (VCV001315303.2), dbSNP rs2131070794, ClinGen allele CA464420842.

ClinVar aggregate classification (germline): Uncertain significance (1 of 4 stars; one submission).

Allele frequency attached by ClinVar (database versions not stated): gnomAD exomes below 0.00001.
gnomAD v4.1: 1 of 1,614,234 alleles (0.000062%); highest among the groups gnomAD compares: Non-Finnish European, 0.000085%; no homozygotes.

Submission:

GeneDx
Classification: Uncertain significance. Last evaluated: 2020-02-11. Review status: criteria provided, single submitter. Criteria: GeneDx Variant Classification Process June 2021. Collection method: clinical testing. Allele origin: germline. Affected: yes.
Comment: Not observed in large population cohorts (Lek et al., 2016); In-silico analysis, which includes splice predictors and evolutionary conservation, is inconclusive as to whether the variant alters gene splicing. In the absence of RNA/functional studies, the actual effect of this sequence change is unknown.; Has not been previously published as pathogenic or benign to our knowledge